The following is an entry in ClinVar:

NM_007294.4(BRCA1):c.2686del (p.Ser896fs)

Gene: BRCA1 (BRCA1 DNA repair associated; minus strand). Cytogenetic location: 17q21.31.
Variant type: Deletion.
Coding change: c.2686del on transcript NM_007294.4 (MANE Select); coding-DNA position 2686, one base deleted (A; older notation c.2686delA).
Protein change: p.Ser896fs; shifts the reading frame from serine 896.
Molecular consequence: frameshift variant. On other transcripts: intron variant (137).
Genome position (GRCh38, 1-based): chr17:43,092,845, T deleted on the plus strand (A on the coding strand, the reverse complement: BRCA1 is on the minus strand); the first of 3 consecutive T bases (chr17:43,092,845-43,092,847); deleting any one gives the same sequence. VCF-style (leftmost placement, unchanged base first): chr17-43092844-CT-C. GRCh37 (hg19) VCF-style: chr17-41244861-CT-C.
Other names: 2805delA; c.2686delA (NM_007294.3); c.2473del, p.Ser825fs (NM_001407571.1, NM_001407853.1, NM_001407894.1 and 9 more transcripts); c.2686del, p.Ser896fs (NM_001407581.1, NM_001407582.1, NM_001407583.1 and 30 more transcripts); c.2683del, p.Ser895fs (NM_001407587.1, NM_001407590.1, NM_001407591.1 and 22 more transcripts); c.2677del, p.Ser893fs (NM_001407646.1, NM_001407647.1); c.2563del, p.Ser855fs (NM_001407648.1, NM_001407664.1, NM_001407665.1 and 19 more transcripts); c.2560del, p.Ser854fs (NM_001407649.1, NM_001407670.1, NM_001407671.1 and 11 more transcripts); and 43 more; short protein forms S896fs, S849fs, S785fs, S807fs, S826fs, S600fs, S728fs, S768fs.
Identifiers: ClinVar variation 125581 (VCV000125581.8), dbSNP rs80357636, ClinGen allele CA001770.

ClinVar aggregate classification (germline): Pathogenic. Review status: reviewed by expert panel (3 of 4 stars). 3 submissions from 3 submitters: Pathogenic (1). 2 of the submissions do not count toward it. Last evaluated 2016-09-08.

Conditions:
Hereditary cancer-predisposing syndrome. Also called: Tumor predisposition; Hereditary neoplastic syndrome; Hereditary Cancer Syndrome; Neoplastic Syndromes, Hereditary. Identifiers: Orphanet 140162, MedGen C0027672, MeSH D009386, MONDO:0015356.
Breast-ovarian cancer, familial, susceptibility to, 1 (BROVCA1). Also called: BRCA1 Hereditary Breast and Ovarian Cancer; OVARIAN CANCER, SUSCEPTIBILITY TO. Identifiers: Orphanet 145, MedGen C2676676, MONDO:0011450, OMIM 604370. Disease mechanism: loss of function.

Submissions (3):

Evidence-based Network for the Interpretation of Germline Mutant Alleles (ENIGMA)
Classification: Pathogenic for Breast-ovarian cancer, familial, susceptibility to, 1. Last evaluated: 2016-09-08. Review status: reviewed by expert panel. Criteria: ENIGMA BRCA1/2 Classification Criteria (2015). Collection method: curation. Allele origin: germline.
Comment: Variant allele predicted to encode a truncated non-functional protein.

Color Diagnostics, LLC DBA Color Health
Classification: Pathogenic for Hereditary cancer-predisposing syndrome. Last evaluated: 2022-09-19. Review status: criteria provided, single submitter. Criteria: ACMG Guidelines, 2015. Collection method: clinical testing. Allele origin: germline. Not counted in ClinVar's aggregate classification.
Comment: This variant deletes 1 nucleotide in exon 10 of the BRCA1 gene, creating a frameshift and premature translation stop signal. This variant is expected to result in an absent or non-functional protein product. This variant has been reported in individuals affected with breast cancer (PMID: 23961350, 26187060, 32451972). This variant has not been identified in the general population by the Genome Aggregation Database (gnomAD). Loss of BRCA1 function is a known mechanism of disease. Based on the available evidence, this variant is classified as Pathogenic.

Breast Cancer Information Core (BIC) (BRCA1)
Classification: Pathogenic for Breast-ovarian cancer, familial 1. Last evaluated: 2010-12-10. Review status: no assertion criteria provided. Collection method: clinical testing. Allele origin: germline. Affected: yes. Observed: 4 variant alleles. Not counted in ClinVar's aggregate classification.

Literature cited by the submitters: PubMed 23961350 (cited by Color Diagnostics, LLC DBA Color Health); PubMed 26187060 (cited by Color Diagnostics, LLC DBA Color Health); PubMed 32451972 (cited by Color Diagnostics, LLC DBA Color Health).